The following is an entry in ClinVar:

ClinVar aggregate classification (germline): Likely pathogenic (1 of 4 stars; one submission).

Conditions:
Fanconi anemia (FA). Also called: Fanconi's anemia. Identifiers: Orphanet 84, MedGen C0015625, MeSH D005199, MONDO:0019391.

Submission:

Labcorp Genetics (formerly Invitae), Labcorp
Classification: Likely pathogenic for Fanconi anemia. Last evaluated: 2024-01-30. Review status: criteria provided, single submitter. Criteria: Invitae Variant Classification Sherloc (09022015). Collection method: clinical testing. Allele origin: germline.
Comment: This sequence change affects a donor splice site in intron 23 of the FANCD2 gene. It is expected to disrupt RNA splicing. Variants that disrupt the donor or acceptor splice site typically lead to a loss of protein function (PMID: 16199547), and loss-of-function variants in FANCD2 are known to be pathogenic (PMID: 17436244). This variant is not present in population databases (gnomAD no frequency). This variant has not been reported in the literature in individuals affected with FANCD2-related conditions. Algorithms developed to predict the effect of sequence changes on RNA splicing suggest that this variant may disrupt the consensus splice site. In summary, the currently available evidence indicates that the variant is pathogenic, but additional data are needed to prove that conclusively. Therefore, this variant has been classified as Likely Pathogenic.

Literature cited by the submitters: PubMed 16199547; PubMed 17436244.

NM_001018115.3(FANCD2):c.2168+2T>C

Genes: FANCD2 (FA complementation group D2; plus strand), LOC107303338 (3p25 FANCD2 Alu-mediated recombination region; plus strand). Cytogenetic location: 3p25.3.
Variant type: single nucleotide variant.
Coding change: c.2168+2T>C on transcript NM_001018115.3 (MANE Select); the canonical splice donor site of the intron after coding-DNA position 2168, T replaced by C.
Molecular consequence: splice donor variant.
Genome position (GRCh38, 1-based): chr3:10,064,877, T>C. VCF-style: chr3-10064877-T-C. GRCh37 (hg19) VCF-style: chr3-10106561-T-C.
Other names: c.2168+2T>C (NM_001319984.2, NM_033084.6, NM_001374254.1); c.2057+2T>C (NM_001374253.1).
Identifiers: ClinVar variation 3637490 (VCV003637490.2).